The following is an entry in ClinVar:

NM_000535.7(PMS2):c.1078A>C (p.Ile360Leu)

Gene: PMS2 (PMS1 homolog 2, mismatch repair system component; minus strand). Cytogenetic location: 7p22.1.
Variant type: single nucleotide variant.
Coding change: c.1078A>C on transcript NM_000535.7 (MANE Select); coding-DNA position 1078, A replaced by C.
Protein change: p.Ile360Leu; replaces isoleucine 360 with leucine.
Molecular consequence: missense variant. On other transcripts: non-coding transcript variant (1), intron variant (10).
Genome position (GRCh38, 1-based): chr7:5,989,866, T>G on the plus strand (A>C on the coding strand, the complement: PMS2 is on the minus strand). VCF-style: chr7-5989866-T-G. GRCh37 (hg19) VCF-style: chr7-6029497-T-G.
Other names: c.769A>C, p.Ile257Leu (NM_001406880.1, NM_001406881.1, NM_001406882.1 and 5 more transcripts); c.760A>C, p.Ile254Leu (NM_001406883.1, NM_001322007.2, NM_001322008.2 and 2 more transcripts); c.742A>C, p.Ile248Leu (NM_001406885.1); c.712A>C, p.Ile238Leu (NM_001406886.1); c.673A>C, p.Ile225Leu (NM_001406887.1, NM_001406888.1, NM_001406889.1 and 16 more transcripts); c.145A>C, p.Ile49Leu (NM_001322011.2, NM_001322012.2); c.505A>C, p.Ile169Leu (NM_001322013.2, NM_001406909.1); c.1078A>C, p.Ile360Leu (NM_001322014.2, NM_001406871.1, NM_001406872.1); and 13 more; short protein forms I225L, I294L, I49L, I103L, I189L, I248L, I360L, I254L.
Identifiers: ClinVar variation 5026916 (VCV005026916.1).
Genomic context (GRCh38, chr7:5,989,866, plus strand): 5'-CATCCAGCAGTGGCTGCTGACTGACATTTAGCTTGTTGACATCACTATCAAACATTCCTA[T>G]CAAAGAGGTCTTTAAAACTGCCAACAAAAGCTTTTCCTCTTGTAGCAAAATTTGCCTTTT-3'
Protein context (NP_000526.2, residues 350-370): LLLAVLKTSL[Ile360Leu]GMFDSDVNKL

ClinVar aggregate classification (germline): Uncertain significance (1 of 4 stars; one submission).

Conditions:
Hereditary cancer-predisposing syndrome. Also called: Neoplastic Syndromes, Hereditary; Tumor predisposition; Hereditary neoplastic syndrome; Hereditary Cancer Syndrome. Identifiers: Orphanet 140162, MedGen C0027672, MeSH D009386, MONDO:0015356.

gnomAD v4.1: 1 of 1,612,550 alleles (0.000062%); no homozygotes.

Submission:

Ambry Genetics
Classification: Uncertain significance for Hereditary cancer-predisposing syndrome. Last evaluated: 2026-07-06. Review status: criteria provided, single submitter. Criteria: Ambry Variant Classification Scheme 2023. Collection method: clinical testing. Allele origin: germline.
Comment: The p.I360L variant (also known as c.1078A>C), located in coding exon 10 of the PMS2 gene, results from an A to C substitution at nucleotide position 1078. The isoleucine at codon 360 is replaced by leucine, an amino acid with highly similar properties. This amino acid position is conserved. In addition, this alteration is predicted to be tolerated by in silico analysis. Based on the available evidence, the clinical significance of this variant remains unclear.